The following is an entry in ClinVar:

NM_005430.3(WNT1):c.-347C>A

Genes: WNT1 (Wnt family member 1; plus strand), LOC130007808 (ATAC-STARR-seq lymphoblastoid silent region 4417; plus strand). Cytogenetic location: 12q13.12.
Variant type: single nucleotide variant.
Coding change: c.-347C>A on transcript NM_005430.3; 347 bases upstream of the start codon, C replaced by A.
Genome position (GRCh38, 1-based): chr12:48,978,304, C>A. VCF-style: chr12-48978304-C-A. GRCh37 (hg19) VCF-style: chr12-49372087-C-A.
Identifiers: ClinVar variation 672350 (VCV000672350.3), dbSNP rs111509657, ClinGen allele CA236607975.
Genomic context (GRCh38, chr12:48,978,304, plus strand): 5'-AGTGCAGGCCCGGAGGCGGGGGCCACCGGGCAGGGGGCGGGGGTGAGCCCCGACGGCCAA[C>A]CCGTCAGCTCTCGGCTCAGACGGGCGGGAACCACAGCCCCGCTCGCTGCCCATTGTCTGC-3'

ClinVar aggregate classification (germline): Benign (1 of 4 stars; one submission).

Allele frequency attached by ClinVar (database versions not stated): TOPMed 0.03454; 1000 Genomes Project 0.01677; 1000 Genomes Project 30x 0.01811; gnomAD 0.04248 and 0.04390; gnomAD exomes 0.04705.

Submission:

GeneDx
Classification: Benign. Last evaluated: 2018-06-14. Review status: criteria provided, single submitter. Criteria: GeneDx Variant Classification (06012015). Collection method: clinical testing. Allele origin: germline. Affected: yes.
Comment: This variant is considered likely benign or benign based on one or more of the following criteria: it is a conservative change, it occurs at a poorly conserved position in the protein, it is predicted to be benign by multiple in silico algorithms, and/or has population frequency not consistent with disease.